The following is an entry in ClinVar:

ClinVar aggregate classification (germline): Likely pathogenic (0 of 4 stars; one submission).

Conditions:
Intellectual disability. Also called: Intellectual functioning disability; intellectual disabilities; Intellectual developmental disorder. Identifiers: MedGen C3714756, MeSH D008607, MONDO:0001071, HP:0001249.

Submission:

Institute of Human Genetics, University of Leipzig Medical Center
Classification: Likely pathogenic for Intellectual disability. Last evaluated: 2021-02-25. Review status: no assertion criteria provided. Collection method: clinical testing. Allele origin: unknown. Inheritance: X-linked recessive inheritance. Affected: yes. Observed: 1 variant allele, 1 heterozygote.
Comment: Inheritance was not applicable (hemizygous). The variant was reviewed according to current ACMG recommendations and classified as Likely Pathogenic (criteria: PVS1_VeryStrong, PM2_Supporting).

GRCh37/hg19 Xq24(chrX:119660616-119681095)x1

Gene: CUL4B (cullin 4B; minus strand). Cytogenetic location: Xq24.
Variant type: copy number loss.
Change: copy number 1 of chrX:119,660,616-119,681,095 (20.5 kb, GRCh37 coordinates, 1-based), cytogenetic band Xq24.
Identifiers: ClinVar variation 997964 (VCV000997964.1).